The following is an entry in ClinVar:

ClinVar aggregate classification (germline): Pathogenic/Likely pathogenic. Review status: criteria provided, multiple submitters, no conflicts (2 of 4 stars). 5 submissions from 5 submitters: Pathogenic (1); Likely pathogenic (3). 1 of the submissions does not count toward it. Last evaluated 2024-11-10.

Conditions:
NLRP3-related disorder. Also called: NLRP3-related condition; NLRP3-Related Disorders.
Familial amyloid nephropathy with urticaria AND deafness (MWS). Also called: MUCKLE-WELLS SYNDROME; CRYOPYRIN-ASSOCIATED PERIODIC SYNDROME 2; Urticaria, deafness and amyloidosis; UDA SYNDROME; URTICARIA-DEAFNESS-AMYLOIDOSIS SYNDROME. Identifiers: Orphanet 575, MedGen C0268390, MONDO:0008633, OMIM 191900.
Hearing loss, autosomal dominant 34, with or without inflammation. Also called: DEAFNESS, AUTOSOMAL DOMINANT 34, WITH OR WITHOUT INFLAMMATION. Identifiers: MedGen C4521680, MONDO:0033261, OMIM 617772.
Familial cold autoinflammatory syndrome 1 (FCAS1). Also called: Familial cold inflammatory syndrome 1; CRYOPYRIN-ASSOCIATED PERIODIC SYNDROME 1. Identifiers: Orphanet 47045, MedGen C4551895, MONDO:0007349, OMIM 120100.
Chronic infantile neurological, cutaneous and articular syndrome (CINCA). Also called: CINCA syndrome; CRYOPYRIN-ASSOCIATED PERIODIC SYNDROME 3; CHRONIC NEUROLOGIC CUTANEOUS AND ARTICULAR SYNDROME; Prieur Griscelli syndrome. Identifiers: Orphanet 1451, MedGen C0409818, MONDO:0011776, OMIM 607115.
Keratitis fugax hereditaria. Also called: KERATOENDOTHELIITIS FUGAX HEREDITARIA. Identifiers: Orphanet 647815, MedGen C1835697, MONDO:0007849, OMIM 148200.
Cryopyrin associated periodic syndrome (CAPS). Identifiers: Orphanet 208650, MedGen C2316212, MONDO:0016168.

Submissions (5):

Labcorp Genetics (formerly Invitae), Labcorp
Classification: Pathogenic for Cryopyrin associated periodic syndrome. Last evaluated: 2024-11-10. Review status: criteria provided, single submitter. Criteria: Invitae Variant Classification Sherloc (09022015). Collection method: clinical testing. Allele origin: germline.
Comment: This sequence change replaces tyrosine, which is neutral and polar, with histidine, which is basic and polar, at codon 861 of the NLRP3 protein (p.Tyr861His). This variant is not present in population databases (gnomAD no frequency). This missense change has been observed in individual(s) with Muckle-Wells syndrome (PMID: 21810457). It has also been observed to segregate with disease in related individuals. This variant is also known as p.Tyr859His . ClinVar contains an entry for this variant (Variation ID: 1188124). Invitae Evidence Modeling of protein sequence and biophysical properties (such as structural, functional, and spatial information, amino acid conservation, physicochemical variation, residue mobility, and thermodynamic stability) indicates that this missense variant is not expected to disrupt NLRP3 protein function with a negative predictive value of 95%. For these reasons, this variant has been classified as Pathogenic.

GeneDx
Classification: Likely pathogenic. Last evaluated: 2022-11-04. Review status: criteria provided, single submitter. Criteria: GeneDx Variant Classification Process June 2021. Collection method: clinical testing. Allele origin: germline. Affected: yes.
Comment: Not observed at significant frequency in large population cohorts (gnomAD); In silico analysis supports that this missense variant does not alter protein structure/function; Also known as p.(Y859H); This variant is associated with the following publications: (PMID: 29678136, 21810457, 20131254, 15334500)

Fulgent Genetics
Classification: Likely pathogenic for Familial cold autoinflammatory syndrome 1; Keratitis fugax hereditaria; Familial amyloid nephropathy with urticaria AND deafness; Chronic infantile neurological, cutaneous and articular syndrome; Hearing loss, autosomal dominant 34, with or without inflammation. Last evaluated: 2022-02-02. Review status: criteria provided, single submitter. Criteria: ACMG Guidelines, 2015. Collection method: clinical testing. Allele origin: unknown.

Mayo Clinic Laboratories, Mayo Clinic
Classification: Likely pathogenic. Last evaluated: 2021-07-29. Review status: criteria provided, single submitter. Criteria: ACMG Guidelines, 2015. Collection method: clinical testing. Allele origin: germline. Observed: 1 variant allele.
Comment: PP1_strong, PM2

PreventionGenetics, part of Exact Sciences
Classification: Likely pathogenic for NLRP3-related condition. Last evaluated: 2024-01-24. Review status: no assertion criteria provided. Collection method: clinical testing. Allele origin: germline. Not counted in ClinVar's aggregate classification.
Comment: The NLRP3 c.2581T>C variant is predicted to result in the amino acid substitution p.Tyr861His. This variant (also described as c.2575T>C, p.Tyr859His) was reported to segregate with disease in a large family with Muckle-Wells syndrome (Weegerink et al 2011. PubMed ID: 21810457). This variant has not been reported in a large population database, indicating it is rare. A different missense variant affecting the same amino acid (p.Tyr861Cys or p.Tyr859Cys by legacy nomenclature) has been reported in multiple individuals with NLRP3-related disease (see for example, Jeru et al. 2006. PubMed ID: 20131254). Taken together, the c.2581T>C (p.Tyr861His) variant is interpreted as likely pathogenic.

Literature cited by the submitters: PubMed 21810457 (cited by Labcorp Genetics (formerly Invitae), Labcorp).

NM_001243133.2(NLRP3):c.2575T>C (p.Tyr859His)

Gene: NLRP3 (NLR family pyrin domain containing 3; plus strand). Cytogenetic location: 1q44.
Variant type: single nucleotide variant.
Coding change: c.2575T>C on transcript NM_001243133.2 (MANE Select); coding-DNA position 2575, T replaced by C.
Protein change: p.Tyr859His; replaces tyrosine 859 with histidine.
Molecular consequence: missense variant. On other transcripts: intron variant (2).
Genome position (GRCh38, 1-based): chr1:247,436,052, T>C. VCF-style: chr1-247436052-T-C. GRCh37 (hg19) VCF-style: chr1-247599354-T-C.
Other names: p.Tyr861His; c.2575T>C, p.Tyr859His (NM_001079821.3); c.2404T>C, p.Tyr802His (NM_001127462.3); c.2581T>C, p.Tyr861His (NM_004895.5); c.2492+1779T>C (NM_001127461.3); c.2321+1779T>C (NM_183395.3); short protein forms Y802H, Y859H, Y861H.
Identifiers: ClinVar variation 1188124 (VCV001188124.11), dbSNP rs2103174031, ClinGen allele CA345562272.